The following is an entry in ClinVar:

ClinVar aggregate classification (germline): Uncertain significance. Review status: criteria provided, multiple submitters, no conflicts (2 of 4 stars). 2 submissions from 2 submitters: Uncertain significance (2). Last evaluated 2024-08-19.

Conditions:
Propionic acidemia (PROP). Also called: GLYCINEMIA, KETOTIC; HYPERGLYCINEMIA WITH KETOACIDOSIS AND LEUKOPENIA; KETOTIC HYPERGLYCINEMIA. Identifiers: Orphanet 35, MedGen C0268579, MONDO:0011628, OMIM 606054, HP:0003571.

Submissions (2):

Greenwood Genetic Center Diagnostic Laboratories, Greenwood Genetic Center
Classification: Uncertain significance. Last evaluated: 2024-08-19. Review status: criteria provided, single submitter. Criteria: ACMG Guidelines, 2015. Collection method: clinical testing. Allele origin: germline. Affected: yes.
Comment: PM2, PM3_Supporting, PP3

Juno Genomics, Hangzhou Juno Genomics, Inc
Classification: Uncertain significance for Propionic acidemia. Review status: criteria provided, single submitter. Criteria: ACMG Guidelines, 2015. Collection method: clinical testing. Allele origin: germline.
Comment: Absent from controls (or at extremely low frequency if recessive) in Genome Aggregation Database.;Multiple lines of computational evidence support a deleterious effect on the gene or gene product.

NM_000532.5(PCCB):c.1076C>T (p.Pro359Leu)

Gene: PCCB (propionyl-CoA carboxylase subunit beta; plus strand). Cytogenetic location: 3q22.3.
Variant type: single nucleotide variant.
Coding change: c.1076C>T on transcript NM_000532.5 (MANE Select); coding-DNA position 1076, C replaced by T.
Protein change: p.Pro359Leu; replaces proline 359 with leucine.
Molecular consequence: missense variant.
Genome position (GRCh38, 1-based): chr3:136,317,050, C>T. VCF-style: chr3-136317050-C-T. GRCh37 (hg19) VCF-style: chr3-136035892-C-T.
Other names: c.1136C>T, p.Pro379Leu (NM_001178014.2); short protein forms P359L, P379L.
Identifiers: ClinVar variation 3765599 (VCV003765599.3).